The following is an entry in ClinVar:

NM_018418.5(SPATA7):c.1160G>A (p.Arg387Lys)

Gene: SPATA7 (spermatogenesis associated 7; plus strand). Cytogenetic location: 14q31.3.
Variant type: single nucleotide variant.
Coding change: c.1160G>A on transcript NM_018418.5 (MANE Select); coding-DNA position 1160, G replaced by A.
Protein change: p.Arg387Lys; replaces arginine 387 with lysine.
Molecular consequence: missense variant.
Genome position (GRCh38, 1-based): chr14:88,433,212, G>A. VCF-style: chr14-88433212-G-A. GRCh37 (hg19) VCF-style: chr14-88899556-G-A.
Other names: c.1064G>A, p.Arg355Lys (NM_001040428.4); short protein forms R355K, R387K.
Identifiers: ClinVar variation 939148 (VCV000939148.12), dbSNP rs868032740, ClinGen allele CA264541200.
Genomic context (GRCh38, chr14:88,433,212, plus strand): 5'-ATCTGAGTTTCATTGAAGATGTAACAGATGAAATTTTGAAACTTGGTTTATTTTCAAACA[G>A]GTTAGTTTTTTTAATGGTGTTATGTTAATTCAGGAGTACATTAAATATTCTTCATATTTC-3'
Protein context (NP_060888.2, residues 377-397): EILKLGLFSN[Arg387Lys]FLERLFERHI

ClinVar aggregate classification (germline): Conflicting classifications of pathogenicity. Review status: criteria provided, conflicting classifications (1 of 4 stars). 3 submissions from 3 submitters: Pathogenic (1); Uncertain significance (2). Last evaluated 2024-12-02.

Conditions:
Leber congenital amaurosis 3 (LCA3). Also called: SPATA7-Related Retinitis Pigmentosa. Identifiers: MedGen C1858677, MONDO:0011415, OMIM 604232.

Allele frequency attached by ClinVar (database versions not stated): gnomAD exomes 0.00001; gnomAD 0.00004 and 0.00005; TOPMed 0.00005.
gnomAD v4.1: 14 of 1,600,604 alleles (0.00087%); highest among the groups gnomAD compares: African/African-American, 0.017%; no homozygotes.

Submissions (3):

Labcorp Genetics (formerly Invitae), Labcorp
Classification: Pathogenic for Leber congenital amaurosis 3. Last evaluated: 2024-12-02. Review status: criteria provided, single submitter. Criteria: Invitae Variant Classification Sherloc (09022015). Collection method: clinical testing. Allele origin: germline.
Comment: This sequence change replaces arginine, which is basic and polar, with lysine, which is basic and polar, at codon 387 of the SPATA7 protein (p.Arg387Lys). This variant also falls at the last nucleotide of exon 10, which is part of the consensus splice site for this exon. This variant is present in population databases (no rsID available, gnomAD 0.02%). This missense change has been observed in individual(s) with clinical features of inherited retinal disease (internal data). In at least one individual the data is consistent with being in trans (on the opposite chromosome) from a pathogenic variant. ClinVar contains an entry for this variant (Variation ID: 939148). An algorithm developed to predict the effect of missense changes on protein structure and function (PolyPhen-2) suggests that this variant is likely to be disruptive. Variants that disrupt the consensus splice site are a relatively common cause of aberrant splicing (PMID: 17576681, 9536098). Algorithms developed to predict the effect of sequence changes on RNA splicing suggest that this variant may disrupt the consensus splice site. For these reasons, this variant has been classified as Pathogenic.

Blueprint Genetics
Classification: Uncertain significance. Last evaluated: 2021-11-16. Review status: criteria provided, single submitter. Criteria: ACMG Guidelines, 2015. Collection method: clinical testing. Allele origin: germline.

GeneDx
Classification: Uncertain significance. Last evaluated: 2019-10-03. Review status: criteria provided, single submitter. Criteria: GeneDx Variant Classification Process June 2021. Collection method: clinical testing. Allele origin: germline. Affected: yes.
Comment: In silico splice predictors suggest this variant may destroy the natural splice donor site and result in an in-frame deletion of exon 10; In silico analysis, which includes protein predictors, supports that this variant does not alter protein structure/function; Has not been previously published as pathogenic or benign to our knowledge

Literature cited by the submitters: PubMed 17576681 (cited by Labcorp Genetics (formerly Invitae), Labcorp); PubMed 9536098 (cited by Labcorp Genetics (formerly Invitae), Labcorp).